The following is an entry in ClinVar:

ClinVar aggregate classification (germline): Uncertain significance (1 of 4 stars; one submission).

Conditions:
RASopathy. Also called: rasopathies; Noonan spectrum disorder. Identifiers: Orphanet 536391, MedGen C5555857, MONDO:0021060.

Allele frequency attached by ClinVar (database versions not stated): gnomAD exomes 0.00001.
gnomAD v4.1: 3 of 1,613,638 alleles (0.00019%); highest among the groups gnomAD compares: Non-Finnish European, 0.00025%; no homozygotes.

Submission:

Labcorp Genetics (formerly Invitae), Labcorp
Classification: Uncertain significance for RASopathy. Last evaluated: 2024-02-08. Review status: criteria provided, single submitter. Criteria: Invitae Variant Classification Sherloc (09022015). Collection method: clinical testing. Allele origin: germline.
Comment: This sequence change replaces tryptophan, which is neutral and slightly polar, with cysteine, which is neutral and slightly polar, at codon 537 of the SOS1 protein (p.Trp537Cys). This variant is not present in population databases (gnomAD no frequency). This variant has not been reported in the literature in individuals affected with SOS1-related conditions. Advanced modeling of protein sequence and biophysical properties (such as structural, functional, and spatial information, amino acid conservation, physicochemical variation, residue mobility, and thermodynamic stability) performed at Invitae indicates that this missense variant is expected to disrupt SOS1 protein function with a positive predictive value of 95%. In summary, the available evidence is currently insufficient to determine the role of this variant in disease. Therefore, it has been classified as a Variant of Uncertain Significance.

NM_005633.4(SOS1):c.1611G>C (p.Trp537Cys)

Gene: SOS1 (SOS Ras/Rac guanine nucleotide exchange factor 1; minus strand). Cytogenetic location: 2p22.1.
Variant type: single nucleotide variant.
Coding change: c.1611G>C on transcript NM_005633.4 (MANE Select); coding-DNA position 1611, G replaced by C.
Protein change: p.Trp537Cys; replaces tryptophan 537 with cysteine.
Molecular consequence: missense variant.
Genome position (GRCh38, 1-based): chr2:39,022,817, C>G on the plus strand (G>C on the coding strand, the complement: SOS1 is on the minus strand). VCF-style: chr2-39022817-C-G. GRCh37 (hg19) VCF-style: chr2-39249958-C-G.
Other names: c.1590G>C, p.Trp530Cys (NM_001382394.1); c.1611G>C, p.Trp537Cys (NM_001382395.1); short protein forms W530C, W537C.
Identifiers: ClinVar variation 2872898 (VCV002872898.3), dbSNP rs1669840564, ClinGen allele CA346365771.